The following is an entry in ClinVar:

NM_022124.6(CDH23):c.5796G>A (p.Pro1932=)

Gene: CDH23 (cadherin related 23; plus strand). Cytogenetic location: 10q22.1.
Variant type: single nucleotide variant.
Coding change: c.5796G>A on transcript NM_022124.6 (MANE Select); coding-DNA position 5796, G replaced by A.
Protein change: p.Pro1932=; no amino-acid change (proline 1932 retained).
Molecular consequence: synonymous variant.
Genome position (GRCh38, 1-based): chr10:71,785,714, G>A. VCF-style: chr10-71785714-G-A. GRCh37 (hg19) VCF-style: chr10-73545471-G-A.
Identifiers: ClinVar variation 754497 (VCV000754497.38), dbSNP rs370965108, ClinGen allele CA5545877.

ClinVar aggregate classification (germline): Likely benign. Review status: criteria provided, multiple submitters, no conflicts (2 of 4 stars). 6 submissions from 6 submitters: Likely benign (5). 1 of the submissions does not count toward it. Last evaluated 2026-01-24.

Conditions:
CDH23-related disorder. Also called: CDH23-related condition; CDH23-related disorders.
Usher syndrome type 1 (USH1). Also called: RETINITIS PIGMENTOSA AND CONGENITAL DEAFNESS. Identifiers: Orphanet 231169, Orphanet 886, MedGen C1568247, MONDO:0010168, OMIM 276900.

Allele frequency attached by ClinVar (database versions not stated): gnomAD 0.00004 and 0.00005; TOPMed 0.00006; ExAC 0.00007; ESP Exome Variant Server 0.00008.
gnomAD v4.1: 94 of 1,606,634 alleles (0.0059%); highest among the groups gnomAD compares: South Asian, 0.012%; no homozygotes.

Submissions (6):

Labcorp Genetics (formerly Invitae), Labcorp
Classification: Likely benign. Last evaluated: 2026-01-24. Review status: criteria provided, single submitter. Criteria: Invitae Variant Classification Sherloc (09022015). Collection method: clinical testing. Allele origin: germline.

PreventionGenetics, part of Exact Sciences
Classification: Likely benign for CDH23-related condition. Last evaluated: 2025-06-13. Review status: criteria provided, single submitter. Criteria: ACMG Guidelines, 2015. Collection method: clinical testing. Allele origin: germline.
Comment: This variant is classified as likely benign based on ACMG/AMP sequence variant interpretation guidelines (Richards et al. 2015 PMID: 25741868, with internal and published modifications).

Blueprint Genetics
Classification: Likely benign. Last evaluated: 2024-03-01. Review status: criteria provided, single submitter. Criteria: ACMG Guidelines, 2015. Collection method: clinical testing. Allele origin: germline.

CeGaT Center for Human Genetics Tuebingen
Classification: Likely benign. Last evaluated: 2023-03-01. Review status: criteria provided, single submitter. Criteria: CeGaT Center For Human Genetics Tuebingen Variant Classification Criteria Version 2. Collection method: clinical testing. Allele origin: germline. Affected: yes. Observed: 1 variant allele.
Comment: CDH23: BP4, BP7

Breakthrough Genomics
Classification: Likely benign. Review status: criteria provided, single submitter. Criteria: ACMG Guidelines, 2015. Collection method: not provided. Allele origin: germline. Inheritance: Autosomal recessive inheritance. Affected: yes.

Natera, Inc.
Classification: Uncertain significance for Usher syndrome type 1. Last evaluated: 2020-01-24. Review status: no assertion criteria provided. Collection method: clinical testing. Allele origin: germline. Not counted in ClinVar's aggregate classification.